The following is an entry in ClinVar:

NM_000440.3(PDE6A):c.1960C>T (p.Gln654Ter)

Gene: PDE6A (phosphodiesterase 6A; minus strand). Cytogenetic location: 5q32.
Variant type: single nucleotide variant.
Coding change: c.1960C>T on transcript NM_000440.3 (MANE Select); coding-DNA position 1960, C replaced by T.
Protein change: p.Gln654Ter; replaces glutamine 654 with a stop codon.
Molecular consequence: nonsense.
Genome position (GRCh38, 1-based): chr5:149,884,546, G>A on the plus strand (C>T on the coding strand, the complement: PDE6A is on the minus strand). VCF-style: chr5-149884546-G-A. GRCh37 (hg19) VCF-style: chr5-149264109-G-A.
Other names: short protein forms Q654*.
Identifiers: ClinVar variation 812368 (VCV000812368.5), dbSNP rs1581166539, ClinGen allele CA361693348.

ClinVar aggregate classification (germline): Pathogenic. Review status: criteria provided, multiple submitters, no conflicts (2 of 4 stars). 3 submissions from 3 submitters: Pathogenic (2). 1 of the submissions does not count toward it. Last evaluated 2025-12-16.

Conditions:
Retinitis pigmentosa (RP). Identifiers: Orphanet 791, MedGen C0035334, MeSH D012174, MONDO:0019200, OMIM 268000. Inheritance: Autosomal dominant, autosomal recessive and X linked inheritance.
Retinitis pigmentosa 43 (RP43). Identifiers: Orphanet 791, MedGen C3151139, MONDO:0013437, OMIM 613810.

Submissions (3):

3billion
Classification: Pathogenic for Retinitis pigmentosa 43. Last evaluated: 2025-12-16. Review status: criteria provided, single submitter. Criteria: ACMG Guidelines, 2015. Collection method: clinical testing. Allele origin: germline. Affected: yes.
Comment: The variant is not observed in the gnomAD v4.1.0 dataset. Predicted Consequence/Location: Stop-gained (nonsense): predicted to result in a loss or disruption of normal protein function through nonsense-mediated decay (NMD) or protein truncation. Multiple pathogenic variants are reported downstream of the variant. The variant has been reported to be associated with PDE6A-related disorder (ClinVar ID: VCV000812368 /PMID: 26261414). Therefore, this variant is classified as Pathogenic according to the recommendation of ACMG/AMP guideline.

Victorian Clinical Genetics Services, Murdoch Childrens Research Institute
Classification: Pathogenic for Retinitis pigmentosa 43. Last evaluated: 2020-05-26. Review status: criteria provided, single submitter. Criteria: ACMG Guidelines, 2015. Collection method: clinical testing. Allele origin: germline. Inheritance: Autosomal recessive inheritance.
Comment: Based on the classification scheme VCGS_Germline_v1.1.1, this variant is classified as Pathogenic. Following criteria are met: 0102 - Loss-of-function is a known mechanism of disease for this gene. (N) 0106 - This gene is known to be associated with autosomal recessive disease. (N) 0201 - Variant is predicted to cause nonsense-mediated decay (NMD) and loss of protein (exon 16 of 22). (P) 0252 - Variant is homozygous. (N) 0301 - Variant is absent from gnomAD. (P) 0701 - Comparable variants have very strong previous evidence for pathogenicity. Other variants predicted to cause NMD have been reported as pathogenic in individuals with this Rentinitis pigmentosa (ClinVar). (P) 0803 - Low previous evidence of pathogenicity in unrelated individuals. The variant has been previously reported in patients with Rentinitis pigmentosa (ClinVar, PMID: 26306921). (P) 1007 - No published functional evidence has been identified for this variant. (N) Legend: (P) - Pathogenic, (N) - Neutral, (B) - Benign

Sharon lab, Hadassah-Hebrew University Medical Center
Classification: Pathogenic for Retinitis pigmentosa. Last evaluated: 2019-06-23. Review status: no assertion criteria provided. Collection method: research. Allele origin: inherited. Affected: yes. Not counted in ClinVar's aggregate classification.

Literature cited by the submitters: PubMed 26261414 (cited by 3billion); PubMed 26306921 (cited by Victorian Clinical Genetics Services, Murdoch Childrens Research Institute).